The following is an entry in ClinVar:

NM_004336.5(BUB1):c.1148C>T (p.Ala383Val)

Gene: BUB1 (BUB1 mitotic checkpoint serine/threonine kinase; minus strand). Cytogenetic location: 2q13.
Variant type: single nucleotide variant.
Coding change: c.1148C>T on transcript NM_004336.5 (MANE Select); coding-DNA position 1148, C replaced by T.
Protein change: p.Ala383Val; replaces alanine 383 with valine.
Molecular consequence: missense variant.
Genome position (GRCh38, 1-based): chr2:110,661,651, G>A on the plus strand (C>T on the coding strand, the complement: BUB1 is on the minus strand). VCF-style: chr2-110661651-G-A. GRCh37 (hg19) VCF-style: chr2-111419228-G-A.
Other names: c.1088C>T, p.Ala363Val (NM_001278616.2); c.1148C>T, p.Ala383Val (NM_001278617.2); short protein forms A363V, A383V.
Identifiers: ClinVar variation 3223987 (VCV003223987.1), dbSNP rs759188718, ClinGen allele CA1828158.

ClinVar aggregate classification (germline): Uncertain significance (1 of 4 stars; one submission).

Allele frequency attached by ClinVar (database versions not stated): gnomAD exomes below 0.00001; ExAC 0.00001; gnomAD 0.00001; TOPMed 0.00001.
gnomAD v4.1: 7 of 1,614,084 alleles (0.00043%); highest among the groups gnomAD compares: Admixed American, 0.0017%; no homozygotes.

Submission:

Ambry Genetics
Classification: Uncertain significance. Last evaluated: 2024-02-12. Review status: criteria provided, single submitter. Criteria: Ambry Variant Classification Scheme 2023. Collection method: clinical testing. Allele origin: germline.
Comment: The p.A383V variant (also known as c.1148C>T), located in coding exon 10 of the BUB1 gene, results from a C to T substitution at nucleotide position 1148. The alanine at codon 383 is replaced by valine, an amino acid with similar properties. This amino acid position is conserved. In addition, this alteration is predicted to be tolerated by in silico analysis. Based on the available evidence, the clinical significance of this alteration remains unclear.